The following is an entry in ClinVar:

ClinVar aggregate classification (germline): Uncertain significance (1 of 4 stars; one submission).

Submission:

GeneDx
Classification: Uncertain significance. Last evaluated: 2026-02-15. Review status: criteria provided, single submitter. Criteria: GeneDx Variant Classification Process June 2021. Collection method: clinical testing. Allele origin: germline.
Comment: Not observed at significant frequency in large population cohorts (gnomAD); In silico analysis suggests that this missense variant does not alter protein structure/function; Has not been previously published as pathogenic or benign to our knowledge

NM_020987.5(ANK3):c.11657C>G (p.Ala3886Gly)

Gene: ANK3 (ankyrin 3; minus strand). Cytogenetic location: 10q21.2.
Variant type: single nucleotide variant.
Coding change: c.11657C>G on transcript NM_020987.5 (MANE Select); coding-DNA position 11657, C replaced by G.
Protein change: p.Ala3886Gly; replaces alanine 3886 with glycine.
Molecular consequence: missense variant. On other transcripts: intron variant (4).
Genome position (GRCh38, 1-based): chr10:60,069,224, G>C on the plus strand (C>G on the coding strand, the complement: ANK3 is on the minus strand). VCF-style: chr10-60069224-G-C. GRCh37 (hg19) VCF-style: chr10-61828982-G-C.
Other names: c.4388-1215C>G (NM_001204403.2); c.4409-1215C>G (NM_001204404.2); c.4406-1215C>G (NM_001320874.2); c.1808-1215C>G (NM_001149.4); short protein forms A3886G.
Identifiers: ClinVar variation 4976356 (VCV004976356.1).
Genomic context (GRCh38, chr10:60,069,224, plus strand): 5'-CATGAAGAAGTAGTAAGGGCTTTGGTTTTCTCGGATTGACTAACCTGCTTCATTTTACTT[G>C]CTTTAGTGTTTGACATATGGTTCGGTGGGAAGGTATCTTTTGGTGAAGTGGCCTTTATGG-3'
Protein context (NP_066267.2, residues 3876-3896): FPPNHMSNTK[Ala3886Gly]SKMKQVSQSE